The following is an entry in ClinVar:

NM_001244008.2(KIF1A):c.2089GAG[6] (p.Glu701dup)

Gene: KIF1A (kinesin family member 1A; minus strand). Cytogenetic location: 2q37.3.
Variant type: Microsatellite.
Coding change: c.2089GAG[6] on transcript NM_001244008.2 (MANE Select); six copies in a row of the 3-base unit GAG starting at c.2089; the reference has five copies in a row; one copy, 3 bases duplicated.
Protein change: p.Glu701dup; duplicates glutamic acid 701.
Molecular consequence: inframe insertion.
Genome position (GRCh38, 1-based): chr2:240,762,732-240,762,734, CTC duplicated on the plus strand (GAG on the coding strand, the reverse complement: KIF1A is on the minus strand); duplicating any 3 consecutive bases within chr2:240,762,732-240,762,746 gives the same sequence; the position shown is the placement nearest the transcript's 3' end. VCF-style (leftmost placement, unchanged base first): chr2-240762731-G-GCTC. GRCh37 (hg19) VCF-style: chr2-241702148-G-GCTC.
Other names: c.2089GAG[6], p.Glu701dup (NM_001320705.2, NM_001330289.2, NM_001379638.1); c.2164GAG[6], p.Glu726dup (NM_001330290.2, NM_001379631.1, NM_001379634.1 and 2 more transcripts); c.2062GAG[6], p.Glu692dup (NM_001379632.1, NM_001379633.1, NM_001379636.1 and 10 more transcripts); c.2137GAG[6], p.Glu717dup (NM_001379637.1, NM_001379648.1).
Identifiers: ClinVar variation 1254513 (VCV001254513.17), dbSNP rs771003443, ClinGen allele CA2208200.

ClinVar aggregate classification (germline): Uncertain significance. Review status: criteria provided, multiple submitters, no conflicts (2 of 4 stars). 4 submissions from 4 submitters: Uncertain significance (4). Last evaluated 2025-09-30.

Conditions:
Inborn genetic diseases. Identifiers: MedGen C0950123, MeSH D030342.
Hereditary spastic paraplegia 30. Identifiers: Orphanet 101010, MedGen C5235139, MONDO:0012476.
Neuropathy, hereditary sensory, type 2C. Also called: KIF1A-Related HSAN2 (HSAN2C); Hereditary sensory and autonomic neuropathy type IIC. Identifiers: Orphanet 970, MedGen C3280168, MONDO:0013634, OMIM 614213.
Intellectual disability, autosomal dominant 9 (NESCAVS). Also called: NESCAV SYNDROME; KIF1A-Related Neurodevelopmental Disorder. Identifiers: Orphanet 662367, MedGen C5393830, MONDO:0013656, OMIM 614255.

Submissions (4):

Labcorp Genetics (formerly Invitae), Labcorp
Classification: Uncertain significance for Hereditary spastic paraplegia 30; Neuropathy, hereditary sensory, type 2C; Intellectual disability, autosomal dominant 9. Last evaluated: 2025-09-30. Review status: criteria provided, single submitter. Criteria: Invitae Variant Classification Sherloc (09022015). Collection method: clinical testing. Allele origin: germline.
Comment: This variant, c.2074_2076dup, results in the insertion of 1 amino acid(s) of the KIF1A protein (p.Glu692dup), but otherwise preserves the integrity of the reading frame. This variant is present in population databases (rs774561872, gnomAD 0.08%). This variant has not been reported in the literature in individuals affected with KIF1A-related conditions. ClinVar contains an entry for this variant (Variation ID: 1254513). Experimental studies and prediction algorithms are not available or were not evaluated, and the functional significance of this variant is currently unknown. In summary, the available evidence is currently insufficient to determine the role of this variant in disease. Therefore, it has been classified as a Variant of Uncertain Significance.

GeneDx
Classification: Uncertain significance. Last evaluated: 2025-08-18. Review status: criteria provided, single submitter. Criteria: GeneDx Variant Classification Process June 2021. Collection method: clinical testing. Allele origin: germline. Affected: yes.
Comment: In-frame insertion of 1 amino acid in a non-repeat region; Has not been previously published as pathogenic or benign to our knowledge

Genetic Services Laboratory, University of Chicago
Classification: Uncertain significance. Last evaluated: 2017-12-04. Review status: criteria provided, single submitter. Criteria: ACMG Guidelines, 2015. Collection method: clinical testing. Allele origin: germline. Affected: no.

Ambry Genetics
Classification: Uncertain significance for Inborn genetic diseases. Last evaluated: 2017-08-11. Review status: criteria provided, single submitter. Criteria: Ambry Variant Classification Scheme 2023. Collection method: clinical testing. Allele origin: germline.
Comment: The c.2074_2076dupGAG variant (also known as p.E692dup), located in coding exon 21 of the KIF1A gene, results from an in-frame duplication of GAG at nucleotide positions 2074 to 2076. This results in the duplication of an extra residue between codons 692 and 693. This amino acid position is highly conserved in available vertebrate species. Since supporting evidence is limited at this time, the clinical significance of this alteration remains unclear.